The following is an entry in ClinVar:

NM_005654.6(NR2F1):c.162C>T (p.Thr54=)

Genes: NR2F1 (nuclear receptor subfamily 2 group F member 1; plus strand), NR2F1-AS1 (NR2F1 antisense RNA 1; minus strand). Cytogenetic location: 5q15.
Variant type: single nucleotide variant.
Coding change: c.162C>T on transcript NM_005654.6 (MANE Select); coding-DNA position 162, C replaced by T.
Protein change: p.Thr54=; no amino-acid change (threonine 54 retained).
Molecular consequence: synonymous variant.
Genome position (GRCh38, 1-based): chr5:93,585,185, C>T. VCF-style: chr5-93585185-C-T. GRCh37 (hg19) VCF-style: chr5-92920891-C-T.
Identifiers: ClinVar variation 507591 (VCV000507591.1), dbSNP rs557800691, ClinGen allele CA445722070.

ClinVar aggregate classification (germline): Likely benign (1 of 4 stars; one submission).

Submission:

GeneDx
Classification: Likely benign. Last evaluated: 2017-02-17. Review status: criteria provided, single submitter. Criteria: GeneDx Variant Classification (06012015). Collection method: clinical testing. Allele origin: germline. Affected: yes.
Comment: This variant is considered likely benign or benign based on one or more of the following criteria: it is a conservative change, it occurs at a poorly conserved position in the protein, it is predicted to be benign by multiple in silico algorithms, and/or has population frequency not consistent with disease.